The following is an entry in ClinVar:

NM_000266.4(NDP):c.338G>C (p.Gly113Ala)

Genes: NDP (norrin cystine knot growth factor NDP; minus strand), NDP-AS1 (NDP antisense RNA 1; plus strand). Cytogenetic location: Xp11.3.
Variant type: single nucleotide variant.
Coding change: c.338G>C on transcript NM_000266.4 (MANE Select); coding-DNA position 338, G replaced by C.
Protein change: p.Gly113Ala; replaces glycine 113 with alanine.
Molecular consequence: missense variant. On other transcripts: non-coding transcript variant (1).
Genome position (GRCh38, 1-based): chrX:43,949,863, C>G on the plus strand (G>C on the coding strand, the complement: NDP is on the minus strand). VCF-style: chrX-43949863-C-G. GRCh37 (hg19) VCF-style: chrX-43809109-C-G.
Other names: short protein forms G113A.
Identifiers: ClinVar variation 3768852 (VCV003768852.1).

ClinVar aggregate classification (germline): Uncertain significance (1 of 4 stars; one submission).

gnomAD v4.1: 2 of 1,193,184 alleles (0.00017%); highest among the groups gnomAD compares: Non-Finnish European, 0.00023%; no homozygotes.

Submission:

Women's Health and Genetics/Laboratory Corporation of America, LabCorp
Classification: Uncertain significance. Last evaluated: 2025-02-24. Review status: criteria provided, single submitter. Criteria: LabCorp Variant Classification Summary - May 2015. Collection method: clinical testing. Allele origin: germline.
Comment: Variant summary: NDP c.338G>C (p.Gly113Ala) results in a non-conservative amino acid change in the encoded protein sequence. Five of five in-silico tools predict a damaging effect of the variant on protein function. The frequency data for this variant in gnomAD is considered unreliable, as metrics indicate poor data quality at this position. c.338G>C has been reported in the literature in an individual affected with Familial exudative vitreoretinopathy (Wang_2019). These data do not allow any conclusion about variant significance. To our knowledge, no experimental evidence demonstrating an impact on protein function has been reported. The following publications have been ascertained in the context of this evaluation (PMID: 31106028, 34582765). No submitters have cited clinical-significance assessments for this variant to ClinVar. Based on the evidence outlined above, the variant was classified as uncertain significance.

Literature cited by the submitters: PubMed 31106028; PubMed 34582765.